The following is an entry in ClinVar:

ClinVar aggregate classification (germline): Uncertain significance (1 of 4 stars; one submission).

Conditions:
Mitochondrial hypertrophic cardiomyopathy with lactic acidosis due to MTO1 deficiency. Also called: CARDIOMYOPATHY, INFANTILE HYPERTROPHIC MITOCHONDRIAL, AND LACTIC ACIDOSIS; Combined oxidative phosphorylation deficiency 10. Identifiers: Orphanet 314637, MedGen C4749921, MONDO:0013865, OMIM 614702.

gnomAD v4.1: 17 of 1,614,152 alleles (0.0011%); highest among the groups gnomAD compares: South Asian, 0.015%; no homozygotes.

Submission:

Labcorp Genetics (formerly Invitae), Labcorp
Classification: Uncertain significance for Mitochondrial hypertrophic cardiomyopathy with lactic acidosis due to MTO1 deficiency. Last evaluated: 2021-02-28. Review status: criteria provided, single submitter. Criteria: Invitae Variant Classification Sherloc (09022015). Collection method: clinical testing. Allele origin: germline.
Comment: In summary, the available evidence is currently insufficient to determine the role of this variant in disease. Therefore, it has been classified as a Variant of Uncertain Significance. This sequence change replaces arginine with glutamine at codon 24 of the MTO1 protein (p.Arg24Gln). The arginine residue is moderately conserved and there is a small physicochemical difference between arginine and glutamine. This variant is present in population databases (rs200417760, ExAC 0.01%). This variant has not been reported in the literature in individuals with MTO1-related conditions. Algorithms developed to predict the effect of missense changes on protein structure and function output the following: SIFT: "Tolerated"; PolyPhen-2: "Benign"; Align-GVGD: "Class C0". The glutamine amino acid residue is found in multiple mammalian species, suggesting that this missense change does not adversely affect protein function. These predictions have not been confirmed by published functional studies and their clinical significance is uncertain. Algorithms developed to predict the effect of sequence changes on RNA splicing suggest that this variant may create or strengthen a splice site, but this prediction has not been confirmed by published transcriptional studies.

NM_012123.4(MTO1):c.71G>A (p.Arg24Gln)

Gene: MTO1 (mitochondrial tRNA translation optimization 1; plus strand). Cytogenetic location: 6q13.
Variant type: single nucleotide variant.
Coding change: c.71G>A on transcript NM_012123.4 (MANE Select); coding-DNA position 71, G replaced by A.
Protein change: p.Arg24Gln; replaces arginine 24 with glutamine.
Molecular consequence: missense variant.
Genome position (GRCh38, 1-based): chr6:73,461,925, G>A. VCF-style: chr6-73461925-G-A. GRCh37 (hg19) VCF-style: chr6-74171648-G-A.
Other names: c.71G>A, p.Arg24Gln (NM_001123226.2, NM_133645.3); short protein forms R24Q.
Identifiers: ClinVar variation 1407640 (VCV001407640.7), dbSNP rs200417760, ClinGen allele CA3889218.
Genomic context (GRCh38, chr6:73,461,925, plus strand): 5'-TCCGAGGCTGTGGCCGTTGGGTCGCGGTTTCCTTCACCAAGCAGCAATTTCCGTTGGCAC[G>A]GTTGAGCAGTGACAGCGCGGCGCCCCGGACTCCGCACTTCGACGTGATAGTCATTGGTGG-3'
Protein context (NP_036255.2, residues 14-34): SFTKQQFPLA[Arg24Gln]LSSDSAAPRT